The following is an entry in ClinVar:

NM_012469.4(PRPF6):c.701G>C (p.Gly234Ala)

Gene: PRPF6 (pre-mRNA processing factor 6; plus strand). Cytogenetic location: 20q13.33.
Variant type: single nucleotide variant.
Coding change: c.701G>C on transcript NM_012469.4 (MANE Select); coding-DNA position 701, G replaced by C.
Protein change: p.Gly234Ala; replaces glycine 234 with alanine.
Molecular consequence: missense variant.
Genome position (GRCh38, 1-based): chr20:63,995,412, G>C. VCF-style: chr20-63995412-G-C. GRCh37 (hg19) VCF-style: chr20-62626765-G-C.
Other names: short protein forms G234A.
Identifiers: ClinVar variation 1912519 (VCV001912519.5), dbSNP rs1446366225, ClinGen allele CA409716425.

ClinVar aggregate classification (germline): Uncertain significance (1 of 4 stars; one submission).

Allele frequency attached by ClinVar (database versions not stated): gnomAD 0.00001; gnomAD exomes 0.00001.
gnomAD v4.1: 14 of 1,614,052 alleles (0.00087%); highest among the groups gnomAD compares: Non-Finnish European, 0.0012%; no homozygotes.

Submission:

Labcorp Genetics (formerly Invitae), Labcorp
Classification: Uncertain significance. Last evaluated: 2022-02-18. Review status: criteria provided, single submitter. Criteria: Invitae Variant Classification Sherloc (09022015). Collection method: clinical testing. Allele origin: germline.
Comment: This variant has not been reported in the literature in individuals affected with PRPF6-related conditions. In summary, the available evidence is currently insufficient to determine the role of this variant in disease. Therefore, it has been classified as a Variant of Uncertain Significance. Algorithms developed to predict the effect of missense changes on protein structure and function are either unavailable or do not agree on the potential impact of this missense change (SIFT: "Deleterious"; PolyPhen-2: "Benign"; Align-GVGD: "Class C0"). This variant is present in population databases (no rsID available, gnomAD 0.002%). This sequence change replaces glycine, which is neutral and non-polar, with alanine, which is neutral and non-polar, at codon 234 of the PRPF6 protein (p.Gly234Ala).